The following is an entry in ClinVar:

NM_000179.3(MSH6):c.308A>G (p.Tyr103Cys)

Gene: MSH6 (mutS homolog 6; plus strand). Cytogenetic location: 2p16.3.
Variant type: single nucleotide variant.
Coding change: c.308A>G on transcript NM_000179.3 (MANE Select); coding-DNA position 308, A replaced by G.
Protein change: p.Tyr103Cys; replaces tyrosine 103 with cysteine.
Molecular consequence: missense variant. On other transcripts: intron variant (6), 5 prime UTR variant (7), non-coding transcript variant (5).
Genome position (GRCh38, 1-based): chr2:47,790,974, A>G. VCF-style: chr2-47790974-A-G. GRCh37 (hg19) VCF-style: chr2-48018113-A-G.
Other names: c.237+7504A>G (NM_001281492.2); c.-279-7637A>G (NM_001406815.1); c.-280+7481A>G (NM_001406816.1); c.-68-4920A>G (NM_001406806.1, NM_001406799.1); c.-429A>G (NM_001281493.2, NM_001406823.1, NM_001406829.1 and 1 more transcripts); c.-595A>G (NM_001281494.2); c.404A>G, p.Tyr135Cys (NM_001406795.1, NM_001406802.1); c.308A>G, p.Tyr103Cys (NM_001406796.1, NM_001406798.1, NM_001406800.1 and 6 more transcripts); and 6 more; short protein forms Y103C, Y135C, Y4C, Y47C, Y77C.
Identifiers: ClinVar variation 3633907 (VCV003633907.2).

ClinVar aggregate classification (germline): Uncertain significance (1 of 4 stars; one submission).

Conditions:
Hereditary nonpolyposis colorectal neoplasms. Identifiers: MedGen C0009405, MeSH D003123.

gnomAD v4.1: 1 of 1,614,178 alleles (0.000062%); highest among the groups gnomAD compares: Middle Eastern, 0.016%; no homozygotes.

Submission:

Labcorp Genetics (formerly Invitae), Labcorp
Classification: Uncertain significance for Hereditary nonpolyposis colorectal neoplasms. Last evaluated: 2024-03-09. Review status: criteria provided, single submitter. Criteria: Invitae Variant Classification Sherloc (09022015). Collection method: clinical testing. Allele origin: germline.
Comment: This sequence change replaces tyrosine, which is neutral and polar, with cysteine, which is neutral and slightly polar, at codon 103 of the MSH6 protein (p.Tyr103Cys). This variant is not present in population databases (gnomAD no frequency). This variant has not been reported in the literature in individuals affected with MSH6-related conditions. Advanced modeling of protein sequence and biophysical properties (such as structural, functional, and spatial information, amino acid conservation, physicochemical variation, residue mobility, and thermodynamic stability) has been performed at Invitae for this missense variant, however the output from this modeling did not meet the statistical confidence thresholds required to predict the impact of this variant on MSH6 protein function. In summary, the available evidence is currently insufficient to determine the role of this variant in disease. Therefore, it has been classified as a Variant of Uncertain Significance.